The following is an entry in ClinVar:

NM_000089.4(COL1A2):c.256G>C (p.Val86Leu)

Gene: COL1A2 (collagen type I alpha 2 chain; plus strand). Cytogenetic location: 7q21.3.
Variant type: single nucleotide variant.
Coding change: c.256G>C on transcript NM_000089.4 (MANE Select); coding-DNA position 256, G replaced by C.
Protein change: p.Val86Leu; replaces valine 86 with leucine.
Molecular consequence: missense variant.
Genome position (GRCh38, 1-based): chr7:94,401,597, G>C. VCF-style: chr7-94401597-G-C. GRCh37 (hg19) VCF-style: chr7-94030909-G-C.
Other names: short protein forms V86L.
Identifiers: ClinVar variation 1163286 (VCV001163286.12), dbSNP rs777971816, ClinGen allele CA4346590.

ClinVar aggregate classification (germline): Uncertain significance. Review status: criteria provided, multiple submitters, no conflicts (2 of 4 stars). 4 submissions from 4 submitters: Uncertain significance (4). Last evaluated 2025-05-08.

Conditions:
Osteogenesis imperfecta type I (OI1). Also called: OI, TYPE I; OSTEOGENESIS IMPERFECTA TARDA; OSTEOGENESIS IMPERFECTA WITH BLUE SCLERAE; Classic Non-deforming Osteogenesis Imperfecta with Blue Sclerae; Osteogenesis imperfecta type 1; Lobstein's Disease. Identifiers: Orphanet 216796, Orphanet 666, MedGen C0023931, MONDO:0008146, OMIM 166200. Disease mechanism: loss of function.
Ehlers-Danlos syndrome, classic type, 1 (EDSCL1). Also called: EHLERS-DANLOS SYNDROME, GRAVIS TYPE; EHLERS-DANLOS SYNDROME, SEVERE CLASSIC TYPE; Ehlers-Danlos syndrome, type 1; Ehlers-Danlos Syndrome, Classic Type, COL5A1-Related; EDS I. Identifiers: MedGen C0268335, MONDO:0019567, OMIM 130000.
Cardiovascular phenotype. Identifiers: MedGen CN230736.

Allele frequency attached by ClinVar (database versions not stated): gnomAD 0.00001; TOPMed 0.00001; gnomAD exomes 0.00001; ExAC 0.00001.
gnomAD v4.1: 13 of 1,575,808 alleles (0.00082%); highest among the groups gnomAD compares: Non-Finnish European, 0.0011%; no homozygotes.

Submissions (4):

Women's Health and Genetics/Laboratory Corporation of America, LabCorp
Classification: Uncertain significance. Last evaluated: 2025-05-08. Review status: criteria provided, single submitter. Criteria: LabCorp Variant Classification Summary - May 2015. Collection method: clinical testing. Allele origin: germline.
Comment: Variant summary: COL1A2 c.256G>C (p.Val86Leu) results in a conservative amino acid change in the encoded protein sequence. Algorithms developed to predict the effect of missense changes on protein structure and function all suggest that this variant is likely to be tolerated. The variant allele was found at a frequency of 8.1e-06 in 247872 control chromosomes. The available data on variant occurrences in the general population are insufficient to allow any conclusion about variant significance. To our knowledge, no occurrence of c.256G>C in individuals affected with Ehlers-Danlos syndrome, cardiac valvular type and no experimental evidence demonstrating its impact on protein function have been reported. ClinVar contains an entry for this variant (Variation ID: 1163286). Based on the evidence outlined above, the variant was classified as uncertain significance.

Ambry Genetics
Classification: Uncertain significance for Cardiovascular phenotype. Last evaluated: 2025-03-28. Review status: criteria provided, single submitter. Criteria: Ambry Variant Classification Scheme 2023. Collection method: clinical testing. Allele origin: germline.
Comment: The p.V86L variant (also known as c.256G>C), located in coding exon 6 of the COL1A2 gene, results from a G to C substitution at nucleotide position 256. The valine at codon 86 is replaced by leucine, an amino acid with highly similar properties. This amino acid position is poorly conserved in available vertebrate species. In addition, this alteration is predicted to be tolerated by in silico analysis. Based on the available evidence, the clinical significance of this variant remains unclear.

Labcorp Genetics (formerly Invitae), Labcorp
Classification: Uncertain significance for Osteogenesis imperfecta type I; Ehlers-Danlos syndrome, classic type, 1. Last evaluated: 2024-10-07. Review status: criteria provided, single submitter. Criteria: Invitae Variant Classification Sherloc (09022015). Collection method: clinical testing. Allele origin: germline.
Comment: This sequence change replaces valine, which is neutral and non-polar, with leucine, which is neutral and non-polar, at codon 86 of the COL1A2 protein (p.Val86Leu). This variant is present in population databases (rs777971816, gnomAD 0.002%). This variant has not been reported in the literature in individuals affected with COL1A2-related conditions. ClinVar contains an entry for this variant (Variation ID: 1163286). Invitae Evidence Modeling of protein sequence and biophysical properties (such as structural, functional, and spatial information, amino acid conservation, physicochemical variation, residue mobility, and thermodynamic stability) indicates that this missense variant is not expected to disrupt COL1A2 protein function with a negative predictive value of 80%. In summary, the available evidence is currently insufficient to determine the role of this variant in disease. Therefore, it has been classified as a Variant of Uncertain Significance.

Mayo Clinic Laboratories, Mayo Clinic
Classification: Uncertain significance. Last evaluated: 2020-03-26. Review status: criteria provided, single submitter. Criteria: ACMG Guidelines, 2015. Collection method: clinical testing. Allele origin: germline. Observed: 1 variant allele.